The following is an entry in ClinVar:

NM_000069.3(CACNA1S):c.3719T>C (p.Val1240Ala)

Gene: CACNA1S (calcium voltage-gated channel subunit alpha1 S; minus strand). Cytogenetic location: 1q32.1.
Variant type: single nucleotide variant.
Coding change: c.3719T>C on transcript NM_000069.3 (MANE Select); coding-DNA position 3719, T replaced by C.
Protein change: p.Val1240Ala; replaces valine 1240 with alanine.
Molecular consequence: missense variant.
Genome position (GRCh38, 1-based): chr1:201,053,535, A>G on the plus strand (T>C on the coding strand, the complement: CACNA1S is on the minus strand). VCF-style: chr1-201053535-A-G. GRCh37 (hg19) VCF-style: chr1-201022663-A-G.
Other names: short protein forms V1240A.
Identifiers: ClinVar variation 3071184 (VCV003071184.1), dbSNP rs2464460991, ClinGen allele CA344154719.

ClinVar aggregate classification (germline): Uncertain significance (1 of 4 stars; one submission).

Conditions:
Malignant hyperthermia, susceptibility to, 5 (MHS5). Also called: CACNA1S-Related Malignant Hyperthermia Susceptibility. Identifiers: Orphanet 423, MedGen C1866077, MONDO:0011163, OMIM 601887.

Submission:

All of Us Research Program, National Institutes of Health
Classification: Uncertain significance for Malignant hyperthermia, susceptibility to, 5. Last evaluated: 2023-05-31. Review status: criteria provided, single submitter. Criteria: ACMG Guidelines, 2015. Collection method: clinical testing. Allele origin: germline. Inheritance: Autosomal dominant inheritance. Observed: 1 variant allele, 1 heterozygote.
Comment: This study involves interpretation of variants in research participants for the purpose of population health screening. Participant phenotype was not available at the time of variant classification. Additional details can be found in publication PMID: 35346344, PMCID: PMC8962531